The following continues an entry in ClinVar:

NM_000064.4(C3):c.193A>C (p.Lys65Gln)

Gene: C3. ClinVar aggregate classification (germline): Conflicting classifications of pathogenicity. Pathogenic (2); Likely pathogenic (7); Uncertain significance (5).

Submissions 10 to 15 of 15:

GeneDx
Classification: Uncertain significance. Last evaluated: 2024-04-29. Review status: criteria provided, single submitter. Criteria: GeneDx Variant Classification Process June 2021. Collection method: clinical testing. Allele origin: germline. Affected: yes.
Comment: Reported multiple times in the heterozygous state in possible association with atypical hemolytic-uremic syndrome, however, detailed clinical and segregation information was not provided in all instances (PMID: 22669319, 25899302, 30046676, 34169201, 33841858); Published functional studies demonstrate that this alteration leads to decreased binding of C3b to CFH in vitro and modest but significant decreases in factor F and membrane cofactor protein association rate and binding affinity compared to wild type (PMID: 22669319, 25608561); In silico analysis supports that this missense variant has a deleterious effect on protein structure/function; This variant is associated with the following publications: (PMID: 22669319, 36631797, 37744338, 25608561, 24736606, 31589614, 30046676, 33609329, 25899302, 34169201, 33841858, 37567446, 35385571, 32765494, 29888403, 24799305, 23852337, 28025630, 24853370, 25188723, 24038559, 30225264, 34631043)

Laboratorio de Genetica e Diagnostico Molecular, Hospital Israelita Albert Einstein
Classification: Likely pathogenic for Complement component 3 deficiency. Last evaluated: 2022-08-26. Review status: criteria provided, single submitter. Criteria: ACMG Guidelines, 2015. Collection method: clinical testing. Allele origin: germline. Affected: yes. Observed: 1 variant allele.
Comment: ACMG classification criteria: PS3 supporting, PS4 strong, PM2 supporting

Baylor Genetics
Classification: Likely pathogenic for Atypical hemolytic-uremic syndrome with C3 anomaly. Last evaluated: 2022-02-18. Review status: criteria provided, single submitter. Criteria: ACMG Guidelines, 2015. Collection method: clinical testing. Allele origin: unknown.

Baylor Genetics
Classification: Likely pathogenic for Complement component 3 deficiency. Last evaluated: 2022-02-18. Review status: criteria provided, single submitter. Criteria: ACMG Guidelines, 2015. Collection method: clinical testing. Allele origin: unknown.

Baylor Genetics
Classification: Likely pathogenic for Age related macular degeneration 9. Last evaluated: 2022-02-18. Review status: criteria provided, single submitter. Criteria: ACMG Guidelines, 2015. Collection method: clinical testing. Allele origin: unknown.

Sydney Genome Diagnostics, Children's Hospital Westmead
Classification: Pathogenic for Atypical hemolytic-uremic syndrome. Last evaluated: 2018-08-28. Review status: no assertion criteria provided. Collection method: clinical testing. Allele origin: unknown. Affected: yes. Observed: 1 variant allele, 1 heterozygote. Not counted in ClinVar's aggregate classification.
Comment: This variant (dbSNP: rs539992721) has been reported in the Exome Aggregation Consortium (ExAC) database with a very low allele frequency of 0.006% (7/121402 alleles). This variant is reported in the C3 aHUS mutation database including three atypical haemolytic uremic syndrome (aHUS) patients whom acquired the illness as an adult, with first aHUS episode after renal transplantation or suffered recurrence of the disease after renal transplantation (Volokhina et al 2012 Pediatr Nephrol 27:1519-1524). The authors also performed functional studies which showed the C3 mutant protein decreases C3b binding to CFH in vitro.

Literature cited by the submitters: PubMed 21501302 (cited by Victorian Clinical Genetics Services, Murdoch Childrens Research Institute); PubMed 18796626 (cited by Victorian Clinical Genetics Services, Murdoch Childrens Research Institute); PubMed 29888403 (cited by Victorian Clinical Genetics Services, Murdoch Childrens Research Institute and Mayo Clinic Laboratories, Mayo Clinic); PubMed 37744338 (cited by Victorian Clinical Genetics Services, Murdoch Childrens Research Institute and Mayo Clinic Laboratories, Mayo Clinic); PubMed 32765494 (cited by Victorian Clinical Genetics Services, Murdoch Childrens Research Institute); PubMed 22669319 (cited by 5 submitters); PubMed 27814381 (cited by Victorian Clinical Genetics Services, Murdoch Childrens Research Institute); PubMed 28941939 (cited by Genomenon, Inc and Mayo Clinic Laboratories, Mayo Clinic); PubMed 33841858 (cited by Genomenon, Inc and Mayo Clinic Laboratories, Mayo Clinic); PubMed 33609329 (cited by 5 submitters); PubMed 30659006 (cited by Genomenon, Inc and Mayo Clinic Laboratories, Mayo Clinic); PubMed 25608561 (cited by 3 submitters); PubMed 15304516 (cited by Mayo Clinic Laboratories, Mayo Clinic); PubMed 23307876 (cited by Mayo Clinic Laboratories, Mayo Clinic); PubMed 24038559 (cited by Mayo Clinic Laboratories, Mayo Clinic); PubMed 24736606 (cited by Mayo Clinic Laboratories, Mayo Clinic and Women's Health and Genetics/Laboratory Corporation of America, LabCorp); PubMed 25899302 (cited by Mayo Clinic Laboratories, Mayo Clinic); PubMed 30046676 (cited by 4 submitters); PubMed 30916388 (cited by Mayo Clinic Laboratories, Mayo Clinic); PubMed 34169201 (cited by Mayo Clinic Laboratories, Mayo Clinic and Center for Genomic Medicine, Rigshospitalet, Copenhagen University Hospital); PubMed 37369098 (cited by Mayo Clinic Laboratories, Mayo Clinic); PubMed 35372954 (cited by Labcorp Genetics (formerly Invitae), Labcorp and Women's Health and Genetics/Laboratory Corporation of America, LabCorp); PubMed 20047980 (cited by Center for Genomic Medicine, Rigshospitalet, Copenhagen University Hospital); PubMed 6103091 (cited by Center for Genomic Medicine, Rigshospitalet, Copenhagen University Hospital); PubMed 23963626 (cited by Center for Genomic Medicine, Rigshospitalet, Copenhagen University Hospital).